The following is an entry in ClinVar:

NM_007194.4(CHEK2):c.32A>G (p.Gln11Arg)

Gene: CHEK2 (checkpoint kinase 2; minus strand). Cytogenetic location: 22q12.1.
Variant type: single nucleotide variant.
Coding change: c.32A>G on transcript NM_007194.4 (MANE Select); coding-DNA position 32, A replaced by G.
Protein change: p.Gln11Arg; replaces glutamine 11 with arginine.
Molecular consequence: missense variant.
Genome position (GRCh38, 1-based): chr22:28,734,690, T>C on the plus strand (A>G on the coding strand, the complement: CHEK2 is on the minus strand). VCF-style: chr22-28734690-T-C. GRCh37 (hg19) VCF-style: chr22-29130678-T-C.
Other names: c.32A>G, p.Gln11Arg (NM_001005735.3, NM_001349956.3, NM_145862.3); c.-746A>G (NM_001257387.3); short protein forms Q11R.
Identifiers: ClinVar variation 1692945 (VCV001692945.4), dbSNP rs369256181, ClinGen allele CA10168082.
Genomic context (GRCh38, chr22:28,734,690, plus strand): 5'-GAGCCTTGGGACTGGGTAACGCTGCCATGGGGCTGTGAACAGGCACTGCTGCCATGAGAC[T>C]GCTGAGCCTCAACATCCGACTCCCGAGACATCACGACCTCAAAAAGAAAGTGTCCAACAA-3'
Protein context (NP_009125.1, residues 1-21): MSRESDVEAQ[Gln11Arg]SHGSSACSQP

ClinVar aggregate classification (germline): Uncertain significance. Review status: criteria provided, multiple submitters, no conflicts (2 of 4 stars). 4 submissions from 4 submitters: Uncertain significance (4). Last evaluated 2025-06-18.

Conditions:
Familial cancer of breast. Also called: hereditary breast carcinoma; Hereditary breast cancer; BREAST CANCER, FAMILIAL. Identifiers: Orphanet 227535, MedGen C0346153, MONDO:0016419, OMIM 114480. Disease mechanism: loss of function.
Hereditary cancer-predisposing syndrome. Also called: Hereditary neoplastic syndrome; Tumor predisposition; Neoplastic Syndromes, Hereditary; Hereditary Cancer Syndrome. Identifiers: Orphanet 140162, MedGen C0027672, MeSH D009386, MONDO:0015356.

Allele frequency attached by ClinVar (database versions not stated): gnomAD exomes below 0.00001; ExAC 0.00001; gnomAD 0.00001; ESP Exome Variant Server 0.00008.
gnomAD v4.1: 2 of 1,613,588 alleles (0.00012%); highest among the groups gnomAD compares: East Asian, 0.0022%; no homozygotes.

Submissions (4):

Labcorp Genetics (formerly Invitae), Labcorp
Classification: Uncertain significance for Familial cancer of breast. Last evaluated: 2025-06-18. Review status: criteria provided, single submitter. Criteria: Invitae Variant Classification Sherloc (09022015). Collection method: clinical testing. Allele origin: germline.
Comment: This sequence change replaces glutamine, which is neutral and polar, with arginine, which is basic and polar, at codon 11 of the CHEK2 protein (p.Gln11Arg). This variant is present in population databases (rs369256181, gnomAD 0.007%). This variant has not been reported in the literature in individuals affected with CHEK2-related conditions. ClinVar contains an entry for this variant (Variation ID: 1692945). An algorithm developed to predict the effect of missense changes on protein structure and function (PolyPhen-2) suggests that this variant is likely to be tolerated. In summary, the available evidence is currently insufficient to determine the role of this variant in disease. Therefore, it has been classified as a Variant of Uncertain Significance.

Baylor Genetics
Classification: Uncertain significance for Familial cancer of breast. Last evaluated: 2024-02-16. Review status: criteria provided, single submitter. Criteria: ACMG Guidelines, 2015. Collection method: clinical testing. Allele origin: unknown.

Ambry Genetics
Classification: Uncertain significance for Hereditary cancer-predisposing syndrome. Last evaluated: 2023-11-15. Review status: criteria provided, single submitter. Criteria: Ambry Variant Classification Scheme 2023. Collection method: clinical testing. Allele origin: germline.
Comment: The p.Q11R variant (also known as c.32A>G), located in coding exon 1 of the CHEK2 gene, results from an A to G substitution at nucleotide position 32. The glutamine at codon 11 is replaced by arginine, an amino acid with highly similar properties. This amino acid position is well conserved in available vertebrate species. In addition, the in silico prediction for this alteration is inconclusive. Since supporting evidence is limited at this time, the clinical significance of this alteration remains unclear.

Sema4
Classification: Uncertain significance for Hereditary cancer-predisposing syndrome. Last evaluated: 2021-12-28. Review status: criteria provided, single submitter. Criteria: Sema4 Curation Guidelines. Collection method: curation. Allele origin: germline.
Comment: To the best of our knowledge, the CHEK2 c.32A>G (p.Q11R) variant has not been reported in individuals with CHEK2-related disease. It was observed in 1/15990 chromosomes of the African/African American subpopulation in the large and broad cohorts of the Genome Aggregation Database (PMID: 32461654). This variant has not been reported in ClinVar. Functional studies have not been performed, and in silico predictions of the variant's effect on protein function are inconclusive. The evidence is insufficient to meet ACMG/AMP criteria for classifying the variant as benign or pathogenic. Thus, the clinical significance of this variant is currently uncertain.